The following is an entry in ClinVar:

NM_001231.5(CASQ1):c.637A>C (p.Thr213Pro)

Gene: CASQ1 (calsequestrin 1; plus strand). Cytogenetic location: 1q23.2.
Variant type: single nucleotide variant.
Coding change: c.637A>C on transcript NM_001231.5 (MANE Select); coding-DNA position 637, A replaced by C.
Protein change: p.Thr213Pro; replaces threonine 213 with proline.
Molecular consequence: missense variant.
Genome position (GRCh38, 1-based): chr1:160,195,520, A>C. VCF-style: chr1-160195520-A-C. GRCh37 (hg19) VCF-style: chr1-160165310-A-C.
Other names: short protein forms T213P.
Identifiers: ClinVar variation 1512697 (VCV001512697.6), dbSNP rs1571049425, ClinGen allele CA343257773.
Genomic context (GRCh38, chr1:160,195,520, plus strand): 5'-GATTACAAAGCCTTCGAGGATGCAGCTGAGGAGTTTCATCCCTACATCCCCTTCTTCGCC[A>C]CCTTCGACAGCAAGGTTCTCCTCCCCGCAGCTGTATTGGTTCTGCCTCATGTCCTGAAGC-3'
Protein context (NP_001222.3, residues 203-223): EFHPYIPFFA[Thr213Pro]FDSKVAKKLT

ClinVar aggregate classification (germline): Uncertain significance (1 of 4 stars; one submission).

Submission:

Labcorp Genetics (formerly Invitae), Labcorp
Classification: Uncertain significance. Last evaluated: 2022-06-20. Review status: criteria provided, single submitter. Criteria: Invitae Variant Classification Sherloc (09022015). Collection method: clinical testing. Allele origin: germline.
Comment: In summary, the available evidence is currently insufficient to determine the role of this variant in disease. Therefore, it has been classified as a Variant of Uncertain Significance. Algorithms developed to predict the effect of missense changes on protein structure and function are either unavailable or do not agree on the potential impact of this missense change (SIFT: "Deleterious"; PolyPhen-2: "Benign"; Align-GVGD: "Class C0"). This sequence change replaces threonine, which is neutral and polar, with proline, which is neutral and non-polar, at codon 213 of the CASQ1 protein (p.Thr213Pro). This variant has not been reported in the literature in individuals affected with CASQ1-related conditions. This variant is not present in population databases (gnomAD no frequency).